The following is an entry in ClinVar:

NM_000158.4(GBE1):c.1144G>A (p.Gly382Arg)

Gene: GBE1 (1,4-alpha-glucan branching enzyme 1; minus strand). Cytogenetic location: 3p12.2.
Variant type: single nucleotide variant.
Coding change: c.1144G>A on transcript NM_000158.4 (MANE Select); coding-DNA position 1144, G replaced by A.
Protein change: p.Gly382Arg; replaces glycine 382 with arginine.
Molecular consequence: missense variant.
Genome position (GRCh38, 1-based): chr3:81,591,129, C>T on the plus strand (G>A on the coding strand, the complement: GBE1 is on the minus strand). VCF-style: chr3-81591129-C-T. GRCh37 (hg19) VCF-style: chr3-81640280-C-T.
Other names: short protein forms G382R.
Identifiers: ClinVar variation 2143153 (VCV002143153.1), dbSNP rs746473533, ClinGen allele CA2499774.

ClinVar aggregate classification (germline): Uncertain significance (1 of 4 stars; one submission).

Conditions:
Glycogen storage disease IV, classic hepatic. Also called: GSD IV, CLASSIC HEPATIC. Identifiers: MedGen C1856301.
Glycogen storage disease, type IV (GSD4). Also called: CIRRHOSIS, FAMILIAL, WITH DEPOSITION OF ABNORMAL GLYCOGEN; GBE1 DEFICIENCY; GLYCOGEN BRANCHING ENZYME DEFICIENCY; GLYCOGENOSIS IV; GSD IV; AMYLOPECTINOSIS. Identifiers: Orphanet 367, MedGen C0017923, MONDO:0009292, OMIM 232500.

Allele frequency attached by ClinVar (database versions not stated): ExAC 0.00001.
gnomAD v4.1: 9 of 1,605,760 alleles (0.00056%); highest among the groups gnomAD compares: East Asian, 0.0022%; no homozygotes.

Submission:

Labcorp Genetics (formerly Invitae), Labcorp
Classification: Uncertain significance for Glycogen storage disease, type IV; Glycogen storage disease IV, classic hepatic. Last evaluated: 2022-07-06. Review status: criteria provided, single submitter. Criteria: Invitae Variant Classification Sherloc (09022015). Collection method: clinical testing. Allele origin: germline.
Comment: This sequence change replaces glycine, which is neutral and non-polar, with arginine, which is basic and polar, at codon 382 of the GBE1 protein (p.Gly382Arg). This variant is present in population databases (rs746473533, gnomAD 0.002%). This variant has not been reported in the literature in individuals affected with GBE1-related conditions. Advanced modeling of protein sequence and biophysical properties (such as structural, functional, and spatial information, amino acid conservation, physicochemical variation, residue mobility, and thermodynamic stability) performed at Invitae indicates that this missense variant is expected to disrupt GBE1 protein function. In summary, the available evidence is currently insufficient to determine the role of this variant in disease. Therefore, it has been classified as a Variant of Uncertain Significance.